The following is an entry in ClinVar:

NM_006031.6(PCNT):c.2529G>A (p.Pro843=)

Gene: PCNT (pericentrin; plus strand). Cytogenetic location: 21q22.3.
Variant type: single nucleotide variant.
Coding change: c.2529G>A on transcript NM_006031.6 (MANE Select); coding-DNA position 2529, G replaced by A.
Protein change: p.Pro843=; no amino-acid change (proline 843 retained).
Molecular consequence: synonymous variant.
Genome position (GRCh38, 1-based): chr21:46,363,854, G>A. VCF-style: chr21-46363854-G-A. GRCh37 (hg19) VCF-style: chr21-47783769-G-A.
Other names: c.2175G>A, p.Pro725= (NM_001315529.2); c.2529G>A (NM_006031.5).
Identifiers: ClinVar variation 3014324 (VCV003014324.5), dbSNP rs111690390, ClinGen allele CA10078998.

ClinVar aggregate classification (germline): Likely benign. Review status: criteria provided, single submitter (1 of 4 stars). 2 submissions from 2 submitters: Likely benign (1). 1 of the submissions does not count toward it. Last evaluated 2025-10-13.

Conditions:
PCNT-related disorder. Also called: PCNT-related condition.

Allele frequency attached by ClinVar (database versions not stated): gnomAD 0.00001; ExAC 0.00002; gnomAD exomes 0.00003.
gnomAD v4.1: 50 of 1,611,716 alleles (0.0031%); highest among the groups gnomAD compares: Non-Finnish European, 0.0037%; no homozygotes.

Submissions (2):

Labcorp Genetics (formerly Invitae), Labcorp
Classification: Likely benign. Last evaluated: 2025-10-13. Review status: criteria provided, single submitter. Criteria: Invitae Variant Classification Sherloc (09022015). Collection method: clinical testing. Allele origin: germline.

PreventionGenetics, part of Exact Sciences
Classification: Likely benign for PCNT-related condition. Last evaluated: 2019-03-28. Review status: no assertion criteria provided. Collection method: clinical testing. Allele origin: germline. Not counted in ClinVar's aggregate classification.
Comment: This variant is classified as likely benign based on ACMG/AMP sequence variant interpretation guidelines (Richards et al. 2015 PMID: 25741868, with internal and published modifications).